The following is an entry in ClinVar:

ClinVar aggregate classification (germline): Uncertain significance (1 of 4 stars; one submission).

Conditions:
GARS1-related disorder. Also called: GARS1-related condition.

Submission:

PreventionGenetics, part of Exact Sciences
Classification: Uncertain significance for GARS1-related condition. Last evaluated: 2026-05-08. Review status: criteria provided, single submitter. Criteria: ACMG Guidelines, 2015. Collection method: clinical testing. Allele origin: germline.
Comment: The GARS1 c.1435C>T variant is predicted to result in the amino acid substitution p.Pro479Ser. To our knowledge, this variant has not been reported in the literature or in a large population database (gnomAD), indicating this variant is rare. At this time, the clinical significance of this variant is uncertain due to the absence of conclusive functional and genetic evidence.

NM_002047.4(GARS1):c.1435C>T (p.Pro479Ser)

Gene: GARS1 (glycyl-tRNA synthetase 1; plus strand). Cytogenetic location: 7p14.3.
Variant type: single nucleotide variant.
Coding change: c.1435C>T on transcript NM_002047.4 (MANE Select); coding-DNA position 1435, C replaced by T.
Protein change: p.Pro479Ser; replaces proline 479 with serine.
Molecular consequence: missense variant.
Genome position (GRCh38, 1-based): chr7:30,621,468, C>T. VCF-style: chr7-30621468-C-T. GRCh37 (hg19) VCF-style: chr7-30661084-C-T.
Other names: c.1273C>T, p.Pro425Ser (NM_001316772.1); short protein forms P479S, P425S.
Identifiers: ClinVar variation 4978500 (VCV004978500.1).